The following is an entry in ClinVar:

NM_014425.5(INVS):c.658G>A (p.Glu220Lys)

Gene: INVS (inversin; plus strand). Cytogenetic location: 9q31.1.
Variant type: single nucleotide variant.
Coding change: c.658G>A on transcript NM_014425.5 (MANE Select); coding-DNA position 658, G replaced by A.
Protein change: p.Glu220Lys; replaces glutamic acid 220 with lysine.
Molecular consequence: missense variant. On other transcripts: 5 prime UTR variant (1), non-coding transcript variant (1).
Genome position (GRCh38, 1-based): chr9:100,240,102, G>A. VCF-style: chr9-100240102-G-A. GRCh37 (hg19) VCF-style: chr9-103002384-G-A.
Other names: c.370G>A, p.Glu124Lys (NM_001318381.2); c.-332G>A (NM_001318382.2); c.658G>A (NM_014425.2); short protein forms E220K, E124K.
Identifiers: ClinVar variation 1385208 (VCV001385208.9), dbSNP rs759684253, ClinGen allele CA5158214.
Genomic context (GRCh38, chr9:100,240,102, plus strand): 5'-CTGGTTCCTTCAAATCAGGATGCTGCTCCAACAGAGTCTTTACTGAACTGGCAAGACTAC[G>A]AGGGTCGAACTCCTCTTCACTTTGCAGTTGCTGATGGGAATGTGACCGTGGTTGATGTCT-3'
Protein context (NP_055240.2, residues 210-230): TESLLNWQDY[Glu220Lys]GRTPLHFAVA

ClinVar aggregate classification (germline): Uncertain significance. Review status: criteria provided, multiple submitters, no conflicts (2 of 4 stars). 3 submissions from 3 submitters: Uncertain significance (3). Last evaluated 2025-10-30.

Conditions:
Inborn genetic diseases. Identifiers: MedGen C0950123, MeSH D030342.
Nephronophthisis. Also called: Juvenile Nephronophthisis. Identifiers: Orphanet 655, MedGen C0687120, MONDO:0019005, HP:0000090.
Infantile nephronophthisis (NPHP2). Also called: Nephronophthisis 2, infantile; Nephronophthisis 2. Identifiers: Orphanet 655, Orphanet 93591, MedGen C1865872, MONDO:0011190, OMIM 602088.

Allele frequency attached by ClinVar (database versions not stated): gnomAD 0.00001; gnomAD exomes 0.00001 and 0.00003; TOPMed 0.00001; ExAC 0.00002.
gnomAD v4.1: 40 of 1,614,038 alleles (0.0025%); highest among the groups gnomAD compares: Non-Finnish European, 0.0032%; no homozygotes.

Submissions (3):

Ambry Genetics
Classification: Uncertain significance for Inborn genetic diseases. Last evaluated: 2025-10-30. Review status: criteria provided, single submitter. Criteria: Ambry Variant Classification Scheme 2023. Collection method: clinical testing. Allele origin: germline.

Labcorp Genetics (formerly Invitae), Labcorp
Classification: Uncertain significance for Nephronophthisis. Last evaluated: 2025-04-17. Review status: criteria provided, single submitter. Criteria: Invitae Variant Classification Sherloc (09022015). Collection method: clinical testing. Allele origin: germline.
Comment: This sequence change replaces glutamic acid, which is acidic and polar, with lysine, which is basic and polar, at codon 220 of the INVS protein (p.Glu220Lys). This variant is present in population databases (rs759684253, gnomAD 0.008%). This variant has not been reported in the literature in individuals affected with INVS-related conditions. ClinVar contains an entry for this variant (Variation ID: 1385208). An algorithm developed to predict the effect of missense changes on protein structure and function (PolyPhen-2) suggests that this variant is likely to be disruptive. In summary, the available evidence is currently insufficient to determine the role of this variant in disease. Therefore, it has been classified as a Variant of Uncertain Significance.

Clinical Genomics Laboratory, Washington University in St. Louis
Classification: Uncertain significance for Infantile nephronophthisis. Last evaluated: 2023-09-12. Review status: criteria provided, single submitter. Criteria: ACMG Guidelines, 2015. Collection method: clinical testing. Allele origin: germline.
Comment: The INVS c.658G>A (p.Glu220Lys) variant, to our knowledge, has not been reported in the medical literature but has been reported in the ClinVar database as a germline variant of uncertain significance by one submitter. This variant is only observed on 4/282,844 alleles in the general population (gnomAD v.2.1.1), indicating it is not a common variant. Computational predictors are uncertain as to the impact of this variant on INVS function. Due to limited information, and based on ACMG/AMP guidelines for variant interpretation (Richards S et al., PMID: 25741868), the clinical significance of this variant is uncertain at this time.